The following is an entry in ClinVar:

NM_001710.6(CFB):c.353C>T (p.Ser118Phe)

Gene: CFB (complement factor B; plus strand). Cytogenetic location: 6p21.33.
Variant type: single nucleotide variant.
Coding change: c.353C>T on transcript NM_001710.6 (MANE Select); coding-DNA position 353, C replaced by T.
Protein change: p.Ser118Phe; replaces serine 118 with phenylalanine.
Molecular consequence: missense variant.
Genome position (GRCh38, 1-based): chr6:31,947,061, C>T. VCF-style: chr6-31947061-C-T. GRCh37 (hg19) VCF-style: chr6-31914838-C-T.
Other names: short protein forms S118F.
Identifiers: ClinVar variation 2092039 (VCV002092039.4), dbSNP rs2482676330, ClinGen allele CA363390785.

ClinVar aggregate classification (germline): Uncertain significance (1 of 4 stars; one submission).

Allele frequency attached by ClinVar (database versions not stated): gnomAD exomes below 0.00001.
gnomAD v4.1: 1 of 1,613,036 alleles (0.000062%); highest among the groups gnomAD compares: East Asian, 0.0022%; no homozygotes.

Submission:

Labcorp Genetics (formerly Invitae), Labcorp
Classification: Uncertain significance. Last evaluated: 2022-02-02. Review status: criteria provided, single submitter. Criteria: Invitae Variant Classification Sherloc (09022015). Collection method: clinical testing. Allele origin: germline.
Comment: In summary, the available evidence is currently insufficient to determine the role of this variant in disease. Therefore, it has been classified as a Variant of Uncertain Significance. Algorithms developed to predict the effect of missense changes on protein structure and function are either unavailable or do not agree on the potential impact of this missense change (SIFT: "Deleterious"; PolyPhen-2: "Benign"; Align-GVGD: "Class C0"). This variant has not been reported in the literature in individuals affected with CFB-related conditions. This variant is not present in population databases (gnomAD no frequency). This sequence change replaces serine, which is neutral and polar, with phenylalanine, which is neutral and non-polar, at codon 118 of the CFB protein (p.Ser118Phe).